The following is an entry in ClinVar:

NM_001199107.2(TBC1D24):c.554_559del (p.Asp185_Leu186del)

Gene: TBC1D24 (TBC1 domain family member 24; plus strand). Cytogenetic location: 16p13.3.
Variant type: Deletion.
Coding change: c.554_559del on transcript NM_001199107.2 (MANE Select); coding-DNA positions 554 to 559, 6 bases deleted (ACCTGG; older notation c.554_559delACCTGG).
Protein change: p.Asp185_Leu186del.
Molecular consequence: inframe deletion.
Genome position (GRCh38, 1-based): chr16:2,496,702-2,496,707, ACCTGG deleted; deleting any 6 consecutive bases within chr16:2,496,700-2,496,707 gives the same sequence; the c. name uses the placement nearest the transcript's 3' end. VCF-style (leftmost placement, unchanged base first): chr16-2496699-GGGACCT-G. GRCh37 (hg19) VCF-style: chr16-2546700-GGGACCT-G.
Other names: c.554_559del, p.Asp185_Leu186del (NM_020705.3).
Identifiers: ClinVar variation 448645 (VCV000448645.11), dbSNP rs1215641557, ClinGen allele CA620709064.

ClinVar aggregate classification (germline): Uncertain significance. Review status: criteria provided, multiple submitters, no conflicts (2 of 4 stars). 2 submissions from 2 submitters: Uncertain significance (2). Last evaluated 2024-06-04.

Conditions:
Developmental and epileptic encephalopathy, 1 (DEE1). Also called: X-linked infantile spasms; West's syndrome; Tonic spasms with clustering, arrest of psychomotor development and hypsarrhythmia on EEG; X-Linked Infantile Spasm Syndrome; OHTAHARA SYNDROME, X-LINKED; Epileptic encephalopathy, early infantile, 1. Identifiers: MedGen C3463992, MONDO:0010632, OMIM 308350. Disease mechanism: loss of function.
Autosomal dominant nonsyndromic hearing loss 65. Also called: Deafness, autosomal dominant 65; TBC1D24-Related Autosomal Dominant Nonsyndromic Hearing Loss (DFNA). Identifiers: Orphanet 90635, MedGen C3892048, MONDO:0014470, OMIM 616044.

Submissions (2):

Labcorp Genetics (formerly Invitae), Labcorp
Classification: Uncertain significance for Developmental and epileptic encephalopathy, 1; Autosomal dominant nonsyndromic hearing loss 65. Last evaluated: 2024-06-04. Review status: criteria provided, single submitter. Criteria: Invitae Variant Classification Sherloc (09022015). Collection method: clinical testing. Allele origin: germline.
Comment: This variant, c.554_559del, results in the deletion of 2 amino acid(s) of the TBC1D24 protein (p.Asp185_Leu186del), but otherwise preserves the integrity of the reading frame. This variant is present in population databases (no rsID available, gnomAD 0.0009%). This variant has not been reported in the literature in individuals affected with TBC1D24-related conditions. ClinVar contains an entry for this variant (Variation ID: 448645). Experimental studies and prediction algorithms are not available or were not evaluated, and the functional significance of this variant is currently unknown. In summary, the available evidence is currently insufficient to determine the role of this variant in disease. Therefore, it has been classified as a Variant of Uncertain Significance.

Athena Diagnostics
Classification: Uncertain significance. Last evaluated: 2019-11-26. Review status: criteria provided, single submitter. Criteria: Athena Diagnostics Criteria. Collection method: clinical testing. Allele origin: unknown.